The following is an entry in ClinVar:

ClinVar aggregate classification (germline): Uncertain significance (1 of 4 stars; one submission).

Conditions:
Hereditary cancer-predisposing syndrome. Also called: Hereditary neoplastic syndrome; Neoplastic Syndromes, Hereditary; Tumor predisposition; Hereditary Cancer Syndrome. Identifiers: Orphanet 140162, MedGen C0027672, MeSH D009386, MONDO:0015356.

Submission:

Ambry Genetics
Classification: Uncertain significance for Hereditary cancer-predisposing syndrome. Last evaluated: 2025-09-09. Review status: criteria provided, single submitter. Criteria: Ambry Variant Classification Scheme 2023. Collection method: clinical testing. Allele origin: germline.
Comment: The p.P1313S variant (also known as c.3937C>T), located in coding exon 23 of the PTCH1 gene, results from a C to T substitution at nucleotide position 3937. The proline at codon 1313 is replaced by serine, an amino acid with similar properties. This amino acid position is highly conserved in available vertebrate species. In addition, the in silico prediction for this alteration is inconclusive. Based on the available evidence, the clinical significance of this variant remains unclear.

NM_000264.5(PTCH1):c.3937C>T (p.Pro1313Ser)

Gene: PTCH1 (patched 1; minus strand). Cytogenetic location: 9q22.32.
Variant type: single nucleotide variant.
Coding change: c.3937C>T on transcript NM_000264.5 (MANE Select); coding-DNA position 3937, C replaced by T.
Protein change: p.Pro1313Ser; replaces proline 1313 with serine.
Molecular consequence: missense variant. On other transcripts: non-coding transcript variant (1).
Genome position (GRCh38, 1-based): chr9:95,447,319, G>A on the plus strand (C>T on the coding strand, the complement: PTCH1 is on the minus strand). VCF-style: chr9-95447319-G-A. GRCh37 (hg19) VCF-style: chr9-98209601-G-A.
Other names: c.3739C>T, p.Pro1247Ser (NM_001083602.3); c.3934C>T, p.Pro1312Ser (NM_001083603.3); c.3484C>T, p.Pro1162Ser (NM_001083604.3, NM_001083605.3, NM_001083606.3 and 1 more transcripts); c.3781C>T, p.Pro1261Ser (NM_001354918.2); short protein forms P1162S, P1313S, P1247S, P1261S, P1312S.
Identifiers: ClinVar variation 4146899 (VCV004146899.1).